The following is an entry in ClinVar:

ClinVar aggregate classification (germline): Uncertain significance. Review status: criteria provided, multiple submitters, no conflicts (2 of 4 stars). 10 submissions from 10 submitters: Uncertain significance (9). 1 of the submissions does not count toward it. Last evaluated 2025-09-25.

Conditions:
Hereditary cancer-predisposing syndrome. Also called: Tumor predisposition; Neoplastic Syndromes, Hereditary; Hereditary neoplastic syndrome; Hereditary Cancer Syndrome. Identifiers: Orphanet 140162, MedGen C0027672, MeSH D009386, MONDO:0015356.
Microcephaly, normal intelligence and immunodeficiency (NBS). Also called: Nijmegen breakage syndrome; SEEMANOVA SYNDROME II; IMMUNODEFICIENCY, MICROCEPHALY, AND CHROMOSOMAL INSTABILITY; BERLIN BREAKAGE SYNDROME; Microcephaly with normal intelligence immunodeficiency and lymphoreticular malignancies; Nonsyndromal microcephaly autosomal recessive with normal intelligence. Identifiers: Orphanet 647, MedGen C0398791, MONDO:0009623, OMIM 251260.
Aplastic anemia. Identifiers: Orphanet 182040, Orphanet 88, MedGen C0002874, MONDO:0015909, OMIM 609135, HP:0001915.

Allele frequency attached by ClinVar (database versions not stated): ExAC 0.00002; gnomAD exomes 0.00002 and 0.00003; TOPMed 0.00002; gnomAD 0.00003; 1000 Genomes Project 0.00020; 1000 Genomes Project 30x 0.00031.
gnomAD v4.1: 33 of 1,614,006 alleles (0.002%); highest among the groups gnomAD compares: Non-Finnish European, 0.0023%; no homozygotes.

Submissions (10):

GeneDx
Classification: Uncertain significance. Last evaluated: 2025-09-25. Review status: criteria provided, single submitter. Criteria: GeneDx Variant Classification Process June 2021. Collection method: clinical testing. Allele origin: germline.
Comment: In silico analysis suggests that this missense variant does not alter protein structure/function; Observed in patients with personal and family history of breast and/or pancreatic cancer (PMID: 34326862); This variant is associated with the following publications: (PMID: 23675308, 24894818, 30287823, 36346689, 34326862)

Center for Genomic Medicine, Rigshospitalet, Copenhagen University Hospital
Classification: Uncertain significance. Last evaluated: 2025-03-04. Review status: criteria provided, single submitter. Criteria: ACMG Guidelines, 2015. Collection method: clinical testing. Allele origin: germline.

Labcorp Genetics (formerly Invitae), Labcorp
Classification: Uncertain significance for Microcephaly, normal intelligence and immunodeficiency. Last evaluated: 2025-02-02. Review status: criteria provided, single submitter. Criteria: Invitae Variant Classification Sherloc (09022015). Collection method: clinical testing. Allele origin: germline.
Comment: This sequence change replaces valine, which is neutral and non-polar, with alanine, which is neutral and non-polar, at codon 101 of the NBN protein (p.Val101Ala). This variant is present in population databases (rs185493105, gnomAD 0.008%). This missense change has been observed in individual(s) with breast cancer (PMID: 34326862). ClinVar contains an entry for this variant (Variation ID: 185055). An algorithm developed to predict the effect of missense changes on protein structure and function (PolyPhen-2) suggests that this variant¬†is likely to be tolerated. In summary, the available evidence is currently insufficient to determine the role of this variant in disease. Therefore, it has been classified as a Variant of Uncertain Significance.

Baylor Genetics
Classification: Uncertain significance for Aplastic anemia. Last evaluated: 2023-06-02. Review status: criteria provided, single submitter. Criteria: ACMG Guidelines, 2015. Collection method: clinical testing. Allele origin: unknown.

Ambry Genetics
Classification: Uncertain significance for Hereditary cancer-predisposing syndrome. Last evaluated: 2023-01-05. Review status: criteria provided, single submitter. Criteria: Ambry Variant Classification Scheme 2023. Collection method: clinical testing. Allele origin: germline.
Comment: The p.V101A variant (also known as c.302T>C), located in coding exon 3 of the NBN gene, results from a T to C substitution at nucleotide position 302. The valine at codon 101 is replaced by alanine, an amino acid with similar properties. This amino acid position is highly conserved in available vertebrate species. In addition, the in silico prediction for this alteration is inconclusive. Since supporting evidence is limited at this time, the clinical significance of this alteration remains unclear.

Blueprint Genetics
Classification: Uncertain significance. Last evaluated: 2022-08-17. Review status: criteria provided, single submitter. Criteria: ACMG Guidelines, 2015. Collection method: clinical testing. Allele origin: germline.

Genome-Nilou Lab
Classification: Uncertain significance for Microcephaly, normal intelligence and immunodeficiency. Last evaluated: 2021-11-07. Review status: criteria provided, single submitter. Criteria: ACMG Guidelines, 2015. Collection method: clinical testing. Allele origin: germline. Affected: no.

Quest Diagnostics Nichols Institute San Juan Capistrano
Classification: Uncertain significance. Last evaluated: 2021-03-19. Review status: criteria provided, single submitter. Criteria: Quest Diagnostics criteria. Collection method: clinical testing. Allele origin: unknown.

PreventionGenetics, part of Exact Sciences
Classification: Uncertain significance. Last evaluated: 2018-01-12. Review status: criteria provided, single submitter. Criteria: ACMG Guidelines, 2015. Collection method: clinical testing. Allele origin: germline.

Natera, Inc.
Classification: Uncertain significance for Nijmegen breakage syndrome. Last evaluated: 2020-09-14. Review status: no assertion criteria provided. Collection method: clinical testing. Allele origin: germline. Not counted in ClinVar's aggregate classification.

Literature cited by the submitters: PubMed 30287823 (cited by Center for Genomic Medicine, Rigshospitalet, Copenhagen University Hospital); PubMed 34326862 (cited by Labcorp Genetics (formerly Invitae), Labcorp).

NM_002485.5(NBN):c.302T>C (p.Val101Ala)

Gene: NBN (nibrin; minus strand). Cytogenetic location: 8q21.3.
Variant type: single nucleotide variant.
Coding change: c.302T>C on transcript NM_002485.5 (MANE Select); coding-DNA position 302, T replaced by C.
Protein change: p.Val101Ala; replaces valine 101 with alanine.
Molecular consequence: missense variant.
Genome position (GRCh38, 1-based): chr8:89,981,393, A>G on the plus strand (T>C on the coding strand, the complement: NBN is on the minus strand). VCF-style: chr8-89981393-A-G. GRCh37 (hg19) VCF-style: chr8-90993621-A-G.
Other names: c.56T>C, p.Val19Ala (NM_001024688.3); short protein forms V101A, V19A.
Identifiers: ClinVar variation 185055 (VCV000185055.42), dbSNP rs185493105, ClinGen allele CA190887.